The following is an entry in ClinVar:

ClinVar aggregate classification (germline): Uncertain significance (1 of 4 stars; one submission).

Conditions:
Inborn genetic diseases. Identifiers: MedGen C0950123, MeSH D030342.

Allele frequency attached by ClinVar (database versions not stated): gnomAD exomes 0.00003; ExAC 0.00011; gnomAD 0.00033; ESP Exome Variant Server 0.00038; TOPMed 0.00039.
gnomAD v4.1: 89 of 1,439,962 alleles (0.0062%); highest among the groups gnomAD compares: African/African-American, 0.11%; no homozygotes.

Submission:

Ambry Genetics
Classification: Uncertain significance for Inborn genetic diseases. Last evaluated: 2022-02-07. Review status: criteria provided, single submitter. Criteria: Ambry Variant Classification Scheme 2023. Collection method: clinical testing. Allele origin: germline.
Comment: The c.527C>T (p.T176I) alteration is located in exon 5 (coding exon 5) of the OXR1 gene. This alteration results from a C to T substitution at nucleotide position 527, causing the threonine (T) at amino acid position 176 to be replaced by an isoleucine (I). The p.T176I alteration is predicted to be tolerated by in silico analysis. Based on insufficient or conflicting evidence, the clinical significance of this alteration remains unclear.

NM_001198533.2(OXR1):c.524C>T (p.Thr175Ile)

Gene: OXR1 (oxidation resistance 1; plus strand). Cytogenetic location: 8q23.1.
Variant type: single nucleotide variant.
Coding change: c.524C>T on transcript NM_001198533.2 (MANE Select); coding-DNA position 524, C replaced by T.
Protein change: p.Thr175Ile; replaces threonine 175 with isoleucine.
Molecular consequence: missense variant.
Genome position (GRCh38, 1-based): chr8:106,684,358, C>T. VCF-style: chr8-106684358-C-T. GRCh37 (hg19) VCF-style: chr8-107696586-C-T.
Other names: c.527C>T, p.Thr176Ile (NM_001198532.1); c.524C>T, p.Thr175Ile (NM_018002.3); c.503C>T, p.Thr168Ile (NM_181354.4); short protein forms T175I, T168I, T176I.
Identifiers: ClinVar variation 2228715 (VCV002228715.2), dbSNP rs142837359, ClinGen allele CA4840234.
Genomic context (GRCh38, chr8:106,684,358, plus strand): 5'-CTCTAAGCCCCGTAAGTCCTCTGTCACCAACATCATCTGAGGCTGAATTTGATAAGACCA[C>T]TGTAAGTATCTCTGCTTTGCAAAGATGGCGATGAAGAAATCTCACTTTGTCTACATTGAC-3'
Protein context (NP_001185462.1, residues 165-185): TSSEAEFDKT[Thr175Ile]NPDVHPTEAT